The following is an entry in ClinVar:

ClinVar aggregate classification (germline): Conflicting classifications of pathogenicity. Review status: criteria provided, conflicting classifications (1 of 4 stars). 2 submissions from 2 submitters: Uncertain significance (1); Likely benign (1). Last evaluated 2023-03-31.

Allele frequency attached by ClinVar (database versions not stated): ExAC 0.00001.
gnomAD v4.1: 30 of 1,613,098 alleles (0.0019%); highest among the groups gnomAD compares: South Asian, 0.021%; no homozygotes.

Submissions (2):

Blueprint Genetics
Classification: Likely benign. Last evaluated: 2023-03-31. Review status: criteria provided, single submitter. Criteria: ACMG Guidelines, 2015. Collection method: clinical testing. Allele origin: germline.

Labcorp Genetics (formerly Invitae), Labcorp
Classification: Uncertain significance. Last evaluated: 2022-09-22. Review status: criteria provided, single submitter. Criteria: Invitae Variant Classification Sherloc (09022015). Collection method: clinical testing. Allele origin: germline.
Comment: This sequence change replaces arginine, which is basic and polar, with glutamine, which is neutral and polar, at codon 28 of the TCIRG1 protein (p.Arg28Gln). This variant is present in population databases (rs747914463, gnomAD 0.003%). This variant has not been reported in the literature in individuals affected with TCIRG1-related conditions. Advanced modeling of protein sequence and biophysical properties (such as structural, functional, and spatial information, amino acid conservation, physicochemical variation, residue mobility, and thermodynamic stability) performed at Invitae indicates that this missense variant is not expected to disrupt TCIRG1 protein function. In summary, the available evidence is currently insufficient to determine the role of this variant in disease. Therefore, it has been classified as a Variant of Uncertain Significance.

NM_006019.4(TCIRG1):c.83G>A (p.Arg28Gln)

Gene: TCIRG1 (T cell immune regulator 1, ATPase H+ transporting V0 subunit a3; plus strand). Cytogenetic location: 11q13.2.
Variant type: single nucleotide variant.
Coding change: c.83G>A on transcript NM_006019.4 (MANE Select); coding-DNA position 83, G replaced by A.
Protein change: p.Arg28Gln; replaces arginine 28 with glutamine.
Molecular consequence: missense variant. On other transcripts: 5 prime UTR variant (1).
Genome position (GRCh38, 1-based): chr11:68,041,354, G>A. VCF-style: chr11-68041354-G-A. GRCh37 (hg19) VCF-style: chr11-67808821-G-A.
Other names: c.-1167G>A (NM_001351059.2); short protein forms R28Q.
Identifiers: ClinVar variation 2073265 (VCV002073265.2), dbSNP rs747914463, ClinGen allele CA6146631.